The following is an entry in ClinVar:

NM_002661.5(PLCG2):c.1957C>T (p.Arg653Cys)

Gene: PLCG2 (phospholipase C gamma 2; plus strand). Cytogenetic location: 16q23.3.
Variant type: single nucleotide variant.
Coding change: c.1957C>T on transcript NM_002661.5 (MANE Select); coding-DNA position 1957, C replaced by T.
Protein change: p.Arg653Cys; replaces arginine 653 with cysteine.
Molecular consequence: missense variant.
Genome position (GRCh38, 1-based): chr16:81,912,619, C>T. VCF-style: chr16-81912619-C-T. GRCh37 (hg19) VCF-style: chr16-81946224-C-T.
Other names: short protein forms R653C.
Identifiers: ClinVar variation 1486531 (VCV001486531.8), dbSNP rs755569519, ClinGen allele CA8194025.
Genomic context (GRCh38, chr16:81,912,619, plus strand): 5'-CCGCTCACCTGGTCGTTTTCCCTGGCCCTGTGCCGCAGGTGGTACTATGACAGCCTGAGC[C>T]GCGGAGAGGCAGAGGACATGCTGATGAGGATTCCCCGGGACGGGGCCTTCCTGATCCGGA-3'
Protein context (NP_002652.2, residues 643-663): SKPWYYDSLS[Arg653Cys]GEAEDMLMRI

ClinVar aggregate classification (germline): Uncertain significance (1 of 4 stars; one submission).

Conditions:
Familial cold autoinflammatory syndrome 3 (FCAS3). Also called: FAMILIAL ATYPICAL COLD URTICARIA; ANTIBODY DEFICIENCY AND IMMUNE DYSREGULATION, PLCG2-ASSOCIATED. Identifiers: Orphanet 300359, MedGen C3280914, MONDO:0013766, OMIM 614468.

Allele frequency attached by ClinVar (database versions not stated): gnomAD exomes below 0.00001; ExAC 0.00001.
gnomAD v4.1: 3 of 1,613,186 alleles (0.00019%); highest among the groups gnomAD compares: Non-Finnish European, 0.00025%; no homozygotes.

Submission:

Labcorp Genetics (formerly Invitae), Labcorp
Classification: Uncertain significance for Familial cold autoinflammatory syndrome 3. Last evaluated: 2020-11-04. Review status: criteria provided, single submitter. Criteria: Invitae Variant Classification Sherloc (09022015). Collection method: clinical testing. Allele origin: germline.
Comment: Algorithms developed to predict the effect of missense changes on protein structure and function (SIFT, PolyPhen-2, Align-GVGD) all suggest that this variant is likely to be disruptive, but these predictions have not been confirmed by published functional studies and their clinical significance is uncertain. This variant has not been reported in the literature in individuals with PLCG2-related conditions. The frequency data for this variant in the population databases is considered unreliable, as metrics indicate poor data quality at this position in the ExAC database. This sequence change replaces arginine with cysteine at codon 653 of the PLCG2 protein (p.Arg653Cys). The arginine residue is highly conserved and there is a large physicochemical difference between arginine and cysteine. In summary, the available evidence is currently insufficient to determine the role of this variant in disease. Therefore, it has been classified as a Variant of Uncertain Significance.